The following is an entry in ClinVar:

ClinVar aggregate classification (germline): Uncertain significance. Review status: criteria provided, single submitter (1 of 4 stars). 2 submissions from 2 submitters: Uncertain significance (1). 1 of the submissions does not count toward it. Last evaluated 2022-11-06.

Conditions:
COL6A2-related disorder.
Bethlem myopathy 1A. Also called: MYOPATHY, BENIGN CONGENITAL, WITH CONTRACTURES; Bethlem Muscular Dystrophy; Bethlem myopathy 1. Identifiers: Orphanet 610, MedGen CN029274, MONDO:0024530, OMIM 158810.

Submissions (2):

Labcorp Genetics (formerly Invitae), Labcorp
Classification: Uncertain significance for Bethlem myopathy 1A. Last evaluated: 2022-11-06. Review status: criteria provided, single submitter. Criteria: Invitae Variant Classification Sherloc (09022015). Collection method: clinical testing. Allele origin: germline.
Comment: In summary, the available evidence is currently insufficient to determine the role of this variant in disease. Therefore, it has been classified as a Variant of Uncertain Significance. Advanced modeling of protein sequence and biophysical properties (such as structural, functional, and spatial information, amino acid conservation, physicochemical variation, residue mobility, and thermodynamic stability) performed at Invitae indicates that this missense variant is expected to disrupt COL6A2 protein function. This variant has not been reported in the literature in individuals affected with COL6A2-related conditions. This variant is not present in population databases (gnomAD no frequency). This sequence change replaces glycine, which is neutral and non-polar, with cysteine, which is neutral and slightly polar, at codon 167 of the COL6A2 protein (p.Gly167Cys).

PreventionGenetics, part of Exact Sciences
Classification: Uncertain significance for COL6A2-related condition. Last evaluated: 2023-12-11. Review status: no assertion criteria provided. Collection method: clinical testing. Allele origin: germline. Not counted in ClinVar's aggregate classification.
Comment: The COL6A2 c.499G>T variant is predicted to result in the amino acid substitution p.Gly167Cys. To our knowledge, this variant has not been reported in the literature or in a large population database, indicating this variant is rare. Of note, a different variant in the COL6A2 gene was reported in the heterozygous state in an individual with liver dysfunction, however that variant was paternally inherited (Supplemental Table 1, Fang et al. 2021. PubMed ID: 33763395). In addition, this variant affects a Gly residue outside of the conserved triple helical domain, therefore its impact on function is unknown (Butterfield et al. 2013. PubMed ID: 24038877). At this time, the clinical significance of this variant is uncertain due to the absence of conclusive functional and genetic evidence.

NM_001849.4(COL6A2):c.499G>T (p.Gly167Cys)

Gene: COL6A2 (collagen type VI alpha 2 chain; plus strand). Cytogenetic location: 21q22.3.
Variant type: single nucleotide variant.
Coding change: c.499G>T on transcript NM_001849.4 (MANE Select); coding-DNA position 499, G replaced by T.
Protein change: p.Gly167Cys; replaces glycine 167 with cysteine.
Molecular consequence: missense variant.
Genome position (GRCh38, 1-based): chr21:46,112,362, G>T. VCF-style: chr21-46112362-G-T. GRCh37 (hg19) VCF-style: chr21-47532276-G-T.
Other names: c.499G>T, p.Gly167Cys (NM_058174.3, NM_058175.3); short protein forms G167C.
Identifiers: ClinVar variation 3020756 (VCV003020756.5), dbSNP rs115957676, ClinGen allele CA410521830.
Genomic context (GRCh38, chr21:46,112,362, plus strand): 5'-CAGGACCGCAGCAAGGGCACCGTCCACTTCGCCGTGGTCATCACCGACGGCCACGTCACC[G>T]GCAGCCCCTGCGGGGGCATCAAGCTGCAGGCCGAGCGGGCCCGCGAGGAGGGCATCCGGC-3'
Protein context (NP_001840.3, residues 157-177): AVVITDGHVT[Gly167Cys]SPCGGIKLQA